The following is an entry in ClinVar:

NM_000051.4(ATM):c.8438_8439del (p.Ser2812_Phe2813insTer)

Genes: ATM (ATM serine/threonine kinase; plus strand), C11orf65 (chromosome 11 open reading frame 65; minus strand). Cytogenetic location: 11q22.3.
Variant type: Deletion.
Coding change: c.8438_8439del on transcript NM_000051.4 (MANE Select); coding-DNA positions 8438 to 8439, 2 bases deleted (TT; older notation c.8438_8439delTT).
Protein change: p.Ser2812_Phe2813insTer.
Molecular consequence: nonsense. On other transcripts: intron variant (2).
Genome position (GRCh38, 1-based): chr11:108,345,762-108,345,763, TT deleted; deleting any 2 consecutive bases within chr11:108,345,760-108,345,763 gives the same sequence; the c. name uses the placement nearest the transcript's 3' end. VCF-style (leftmost placement, unchanged base first): chr11-108345759-CTT-C. GRCh37 (hg19) VCF-style: chr11-108216486-CTT-C.
Other names: c.8438_8439del, p.Ser2812_Phe2813insTer (NM_001351834.2); c.641-36690_641-36689del (NM_001330368.2); c.695-10469_695-10468del (NM_001351110.2).
Identifiers: ClinVar variation 1075702 (VCV001075702.10), dbSNP rs991405942, ClinGen allele CA228366813.

ClinVar aggregate classification (germline): Pathogenic. Review status: criteria provided, multiple submitters, no conflicts (2 of 4 stars). 2 submissions from 2 submitters: Pathogenic (2). Last evaluated 2021-09-15.

Conditions:
Ataxia-telangiectasia syndrome (AT). Also called: Ataxia telangiectasia (A-T); ATAXIA-TELANGIECTASIA, COMPLEMENTATION GROUP A; ATAXIA-TELANGIECTASIA, FRESNO VARIANT; Ataxia-telangiectasia; Ataxia-telangiectasia, complementation group E; LOUIS-BAR SYNDROME. Identifiers: Orphanet 100, MedGen C0004135, MONDO:0008840, OMIM 208900.
Hereditary cancer-predisposing syndrome. Also called: Neoplastic Syndromes, Hereditary; Tumor predisposition; Hereditary Cancer Syndrome; Hereditary neoplastic syndrome. Identifiers: Orphanet 140162, MedGen C0027672, MeSH D009386, MONDO:0015356.

Submissions (2):

Labcorp Genetics (formerly Invitae), Labcorp
Classification: Pathogenic for Ataxia-telangiectasia syndrome. Last evaluated: 2021-09-15. Review status: criteria provided, single submitter. Criteria: Invitae Variant Classification Sherloc (09022015). Collection method: clinical testing. Allele origin: germline.
Comment: For these reasons, this variant has been classified as Pathogenic. Loss-of-function variants in ATM are known to be pathogenic (PMID: 23807571, 25614872). This variant has not been reported in the literature in individuals with ATM-related conditions. This variant is not present in population databases (ExAC no frequency). This sequence change creates a premature translational stop signal (p.Phe2813*) in the ATM gene. It is expected to result in an absent or disrupted protein product.

Ambry Genetics
Classification: Pathogenic for Hereditary cancer-predisposing syndrome. Last evaluated: 2021-08-24. Review status: criteria provided, single submitter. Criteria: Ambry Variant Classification Scheme 2023. Collection method: clinical testing. Allele origin: germline.
Comment: The c.8438_8439delTT pathogenic mutation, located in coding exon 57 of the ATM gene, results from a deletion of two nucleotides at nucleotide positions 8438 to 8439, causing a translational frameshift with a predicted alternate stop codon (p.F2813*). This alteration is expected to result in loss of function by premature protein truncation or nonsense-mediated mRNA decay. As such, this alteration is interpreted as a disease-causing mutation.

Literature cited by the submitters: PubMed 23807571 (cited by Labcorp Genetics (formerly Invitae), Labcorp); PubMed 25614872 (cited by Labcorp Genetics (formerly Invitae), Labcorp).